The following is an entry in ClinVar:

ClinVar aggregate classification (germline): Pathogenic (1 of 4 stars; one submission).

Conditions:
Neurofibromatosis, type 1 (NF1). Also called: VON RECKLINGHAUSEN DISEASE; NEUROFIBROMATOSIS, TYPE I, SOMATIC; Neurofibromatosis, type I; Peripheral type neurofibromatosis. Identifiers: Orphanet 636, MedGen C0027831, MONDO:0018975, OMIM 162200. Disease mechanism: loss of function.

Submission:

Labcorp Genetics (formerly Invitae), Labcorp
Classification: Pathogenic for Neurofibromatosis, type 1. Last evaluated: 2024-11-30. Review status: criteria provided, single submitter. Criteria: Invitae Variant Classification Sherloc (09022015). Collection method: clinical testing. Allele origin: germline.
Comment: This sequence change creates a premature translational stop signal (p.Leu356Argfs*20) in the NF1 gene. It is expected to result in an absent or disrupted protein product. Loss-of-function variants in NF1 are known to be pathogenic (PMID: 10712197, 23913538). This variant is not present in population databases (gnomAD no frequency). This premature translational stop signal has been observed in individual(s) with neurofibromatosis type 1 (PMID: 21354044). ClinVar contains an entry for this variant (Variation ID: 1430687). For these reasons, this variant has been classified as Pathogenic.

Literature cited by the submitters: PubMed 10712197; PubMed 23913538; PubMed 21354044.

NM_001042492.3(NF1):c.1067del (p.Leu356fs)

Gene: NF1 (neurofibromin 1; plus strand). Cytogenetic location: 17q11.2.
Variant type: Deletion.
Coding change: c.1067del on transcript NM_001042492.3 (MANE Select); coding-DNA position 1067, one base deleted (T; older notation c.1067delT).
Protein change: p.Leu356fs; shifts the reading frame from leucine 356.
Molecular consequence: frameshift variant.
Genome position (GRCh38, 1-based): chr17:31,201,041, T deleted. VCF-style (leftmost placement, unchanged base first): chr17-31201040-CT-C. GRCh37 (hg19) VCF-style: chr17-29528058-CT-C.
Other names: c.1067delT, p.Leu356Argfs (NM_000267.4); c.1067del, p.Leu356fs (NM_001128147.3); short protein forms L356fs.
Identifiers: ClinVar variation 1430687 (VCV001430687.6), dbSNP rs2143878420, ClinGen allele CA2573153549.
Genomic context (GRCh38, chr17:31,201,040, plus strand): 5'-TAAAGAAATACTGCATGGGTATTTAAAGGCTTTTGTTTTCTGTTGGGGTTTTTATAGAAC[CT>C]GCTTTTTAATCCAAGTAAGCCATTCTCAAGAGGCAGTCAGCCTGCAGATGTGGATCTAAT-3'